The following is an entry in ClinVar:

NM_212482.4(FN1):c.6767G>T (p.Gly2256Val)

Gene: FN1 (fibronectin 1; minus strand). Cytogenetic location: 2q35.
Variant type: single nucleotide variant.
Coding change: c.6767G>T on transcript NM_212482.4 (MANE Select); coding-DNA position 6767, G replaced by T.
Protein change: p.Gly2256Val; replaces glycine 2256 with valine.
Molecular consequence: missense variant.
Genome position (GRCh38, 1-based): chr2:215,370,380, C>A on the plus strand (G>T on the coding strand, the complement: FN1 is on the minus strand). VCF-style: chr2-215370380-C-A. GRCh37 (hg19) VCF-style: chr2-216235103-C-A.
Other names: c.6674G>T, p.Gly2225Val (NM_001306129.2); c.6137G>T, p.Gly2046Val (NM_001306130.2); c.6131G>T, p.Gly2044Val (NM_001306131.2); c.6056G>T, p.Gly2019Val (NM_001306132.2); c.6497G>T, p.Gly2166Val (NM_001365517.2); c.6494G>T, p.Gly2165Val (NM_001365518.2); c.6422G>T, p.Gly2141Val (NM_001365519.2); c.6419G>T, p.Gly2140Val (NM_001365520.2); and 8 more; short protein forms G1955V, G2109V, G2110V, G2135V, G2140V, G2256V, G2044V, G2134V.
Identifiers: ClinVar variation 2096160 (VCV002096160.4), dbSNP rs778284145, ClinGen allele CA350464621.

ClinVar aggregate classification (germline): Uncertain significance (1 of 4 stars; one submission).

Submission:

Labcorp Genetics (formerly Invitae), Labcorp
Classification: Uncertain significance. Last evaluated: 2024-11-11. Review status: criteria provided, single submitter. Criteria: Invitae Variant Classification Sherloc (09022015). Collection method: clinical testing. Allele origin: germline.
Comment: This sequence change replaces glycine, which is neutral and non-polar, with valine, which is neutral and non-polar, at codon 2256 of the FN1 protein (p.Gly2256Val). This variant is not present in population databases (gnomAD no frequency). This variant has not been reported in the literature in individuals affected with FN1-related conditions. ClinVar contains an entry for this variant (Variation ID: 2096160). An algorithm developed to predict the effect of missense changes on protein structure and function (PolyPhen-2) suggests that this variant is likely to be disruptive. In summary, the available evidence is currently insufficient to determine the role of this variant in disease. Therefore, it has been classified as a Variant of Uncertain Significance.